The following is an entry in ClinVar:

NM_001122681.2(SH3BP2):c.457T>A (p.Tyr153Asn)

Gene: SH3BP2 (SH3 domain binding protein 2; plus strand). Cytogenetic location: 4p16.3.
Variant type: single nucleotide variant.
Coding change: c.457T>A on transcript NM_001122681.2 (MANE Select); coding-DNA position 457, T replaced by A.
Protein change: p.Tyr153Asn; replaces tyrosine 153 with asparagine.
Molecular consequence: missense variant.
Genome position (GRCh38, 1-based): chr4:2,827,258, T>A. VCF-style: chr4-2827258-T-A. GRCh37 (hg19) VCF-style: chr4-2828985-T-A.
Other names: c.541T>A, p.Tyr181Asn (NM_001145855.2); c.628T>A, p.Tyr210Asn (NM_001145856.2); c.457T>A, p.Tyr153Asn (NM_003023.4); short protein forms Y210N, Y153N, Y181N.
Identifiers: ClinVar variation 943247 (VCV000943247.9), dbSNP rs1724717798, ClinGen allele CA356054474.

ClinVar aggregate classification (germline): Uncertain significance (1 of 4 stars; one submission).

Conditions:
Fibrous dysplasia of jaw (CRBM). Also called: Cherubism. Identifiers: Orphanet 184, MedGen C0008029, MONDO:0007315, OMIM 118400.

Submission:

Labcorp Genetics (formerly Invitae), Labcorp
Classification: Uncertain significance for Fibrous dysplasia of jaw. Last evaluated: 2021-01-22. Review status: criteria provided, single submitter. Criteria: Invitae Variant Classification Sherloc (09022015). Collection method: clinical testing. Allele origin: germline.
Comment: This variant is not present in population databases (ExAC no frequency). This sequence change replaces tyrosine with asparagine at codon 153 of the SH3BP2 protein (p.Tyr153Asn). The tyrosine residue is highly conserved and there is a large physicochemical difference between tyrosine and asparagine. This variant has not been reported in the literature in individuals with SH3BP2-related conditions. In summary, the available evidence is currently insufficient to determine the role of this variant in disease. Therefore, it has been classified as a Variant of Uncertain Significance. Algorithms developed to predict the effect of missense changes on protein structure and function are either unavailable or do not agree on the potential impact of this missense change (SIFT: "Deleterious"; PolyPhen-2: "Probably Damaging"; Align-GVGD: "Class C0").